The following is an entry in ClinVar:

ClinVar aggregate classification (germline): Uncertain significance (1 of 4 stars; one submission).

Conditions:
Inborn genetic diseases. Identifiers: MedGen C0950123, MeSH D030342.

Submission:

Ambry Genetics
Classification: Uncertain significance for Inborn genetic diseases. Last evaluated: 2026-05-14. Review status: criteria provided, single submitter. Criteria: Ambry Variant Classification Scheme 2023. Collection method: clinical testing. Allele origin: germline.
Comment: The p.N1251H variant (also known as c.3751A>C), located in coding exon 25 of the ANKRD26 gene, results from an A to C substitution at nucleotide position 3751. The asparagine at codon 1251 is replaced by histidine, an amino acid with similar properties. This amino acid position is conserved. In addition, this alteration is predicted to be tolerated by in silico analysis. Based on the available evidence, the clinical significance of this variant remains unclear.

NM_014915.3(ANKRD26):c.3751A>C (p.Asn1251His)

Gene: ANKRD26 (ankyrin repeat domain 26; minus strand). Cytogenetic location: 10p12.1.
Variant type: single nucleotide variant.
Coding change: c.3751A>C on transcript NM_014915.3 (MANE Select); coding-DNA position 3751, A replaced by C.
Protein change: p.Asn1251His; replaces asparagine 1251 with histidine.
Molecular consequence: missense variant.
Genome position (GRCh38, 1-based): chr10:27,033,281, T>G on the plus strand (A>C on the coding strand, the complement: ANKRD26 is on the minus strand). VCF-style: chr10-27033281-T-G. GRCh37 (hg19) VCF-style: chr10-27322210-T-G.
Other names: c.3748A>C, p.Asn1250His (NM_001256053.2); short protein forms N1250H, N1251H.
Identifiers: ClinVar variation 4859689 (VCV004859689.1).